The following is an entry in ClinVar:

NM_138387.4(G6PC3):c.883G>T (p.Gly295Cys)

Gene: G6PC3 (glucose-6-phosphatase catalytic subunit 3; plus strand). Cytogenetic location: 17q21.31.
Variant type: single nucleotide variant.
Coding change: c.883G>T on transcript NM_138387.4 (MANE Select); coding-DNA position 883, G replaced by T.
Protein change: p.Gly295Cys; replaces glycine 295 with cysteine.
Molecular consequence: missense variant. On other transcripts: 3 prime UTR variant (1).
Genome position (GRCh38, 1-based): chr17:44,075,885, G>T. VCF-style: chr17-44075885-G-T. GRCh37 (hg19) VCF-style: chr17-42153253-G-T.
Other names: c.*176G>T (NM_001319945.2); c.538G>T, p.Gly180Cys (NM_001384165.1, NM_001384166.1, NM_001384167.1 and 1 more transcripts); short protein forms G295C, G180C.
Identifiers: ClinVar variation 656149 (VCV000656149.6), dbSNP rs202238577, ClinGen allele CA8596167.
Genomic context (GRCh38, chr17:44,075,885, plus strand): 5'-CGGGCACAGCTGGGAAATGGCCAGAAGATAGCCTGCCTTGTGCTGGCCATGGGGCTGCTG[G>T]GCCCCCTGGACTGGCTGGGCCACCCCCCTCAGATCAGCCTCTTCTACATTTTCAATTTCC-3'
Protein context (NP_612396.1, residues 285-305): ACLVLAMGLL[Gly295Cys]PLDWLGHPPQ

ClinVar aggregate classification (germline): Uncertain significance (1 of 4 stars; one submission).

Conditions:
Autosomal recessive severe congenital neutropenia due to G6PC3 deficiency. Also called: NEUTROPENIA, SEVERE CONGENITAL, 4, AUTOSOMAL RECESSIVE; G6PC3 Deficiency. Identifiers: Orphanet 331176, MedGen C2751630, MONDO:0012930, OMIM 612541.

Allele frequency attached by ClinVar (database versions not stated): TOPMed 0.00001; gnomAD exomes 0.00006.
gnomAD v4.1: 34 of 1,612,794 alleles (0.0021%); highest among the groups gnomAD compares: East Asian, 0.076%; no homozygotes.

Submission:

Labcorp Genetics (formerly Invitae), Labcorp
Classification: Uncertain significance for Autosomal recessive severe congenital neutropenia due to G6PC3 deficiency. Last evaluated: 2021-08-26. Review status: criteria provided, single submitter. Criteria: Invitae Variant Classification Sherloc (09022015). Collection method: clinical testing. Allele origin: germline.
Comment: This sequence change replaces glycine with cysteine at codon 295 of the G6PC3 protein (p.Gly295Cys). The glycine residue is weakly conserved and there is a large physicochemical difference between glycine and cysteine. This variant is present in population databases (rs202238577, ExAC 0.1%). This variant has not been reported in the literature in individuals affected with G6PC3-related conditions. Algorithms developed to predict the effect of missense changes on protein structure and function (SIFT, PolyPhen-2, Align-GVGD) all suggest that this variant is likely to be tolerated. In summary, the available evidence is currently insufficient to determine the role of this variant in disease. Therefore, it has been classified as a Variant of Uncertain Significance.